The following is an entry in ClinVar:

ClinVar aggregate classification (germline): Likely benign (1 of 4 stars; one submission).

Submission:

CeGaT Center for Human Genetics Tuebingen
Classification: Likely benign. Last evaluated: 2025-10-01. Review status: criteria provided, single submitter. Criteria: CeGaT Center For Human Genetics Tuebingen Variant Classification Criteria Version 2. Collection method: clinical testing. Allele origin: germline. Affected: yes. Observed: 1 variant allele.
Comment: ATP13A3: PM2:Supporting, BP4, BP7

NM_001367549.1(ATP13A3):c.2289A>T (p.Gly763=)

Gene: ATP13A3 (ATPase 13A3; minus strand). Cytogenetic location: 3q29.
Variant type: single nucleotide variant.
Coding change: c.2289A>T on transcript NM_001367549.1 (MANE Select); coding-DNA position 2289, A replaced by T.
Protein change: p.Gly763=; no amino-acid change (glycine 763 retained).
Molecular consequence: synonymous variant. On other transcripts: non-coding transcript variant (2).
Genome position (GRCh38, 1-based): chr3:194,431,849, T>A on the plus strand (A>T on the coding strand, the complement: ATP13A3 is on the minus strand). VCF-style: chr3-194431849-T-A. GRCh37 (hg19) VCF-style: chr3-194152578-T-A.
Other names: c.2208A>T, p.Gly736= (NM_001374836.1); c.2289A>T, p.Gly763= (NM_001437993.1, NM_024524.4).
Identifiers: ClinVar variation 4534765 (VCV004534765.6).
Genomic context (GRCh38, chr3:194,431,849, plus strand): 5'-TTTCCCATCCTTTGGAGGTAATGCTTCAGCAATAATCACTTTATCCTGAGGTAGAATCAT[T>A]CCACAATCTCTGGCCACAGAGACAGCAGTCAACATACTGTCACCTAATTTTCAAAATATT-3'
Protein context (NP_001354478.1, residues 753-773): LTAVSVARDC[Gly763=]MILPQDKVII